The following is an entry in ClinVar:

NM_001042492.3(NF1):c.3268G>A (p.Gly1090Arg)

Gene: NF1 (neurofibromin 1; plus strand). Cytogenetic location: 17q11.2.
Variant type: single nucleotide variant.
Coding change: c.3268G>A on transcript NM_001042492.3 (MANE Select); coding-DNA position 3268, G replaced by A.
Protein change: p.Gly1090Arg; replaces glycine 1090 with arginine.
Molecular consequence: missense variant.
Genome position (GRCh38, 1-based): chr17:31,232,143, G>A. VCF-style: chr17-31232143-G-A. GRCh37 (hg19) VCF-style: chr17-29559161-G-A.
Other names: c.3268G>A, p.Gly1090Arg (NM_000267.4); short protein forms G1090R.
Identifiers: ClinVar variation 1478782 (VCV001478782.8), dbSNP rs2151433819, ClinGen allele CA398988836.

ClinVar aggregate classification (germline): Uncertain significance (1 of 4 stars; one submission).

Conditions:
Neurofibromatosis, type 1 (NF1). Also called: Neurofibromatosis, type I; VON RECKLINGHAUSEN DISEASE; NEUROFIBROMATOSIS, TYPE I, SOMATIC; Peripheral type neurofibromatosis. Identifiers: Orphanet 636, MedGen C0027831, MONDO:0018975, OMIM 162200. Disease mechanism: loss of function.

Submission:

Labcorp Genetics (formerly Invitae), Labcorp
Classification: Uncertain significance for Neurofibromatosis, type 1. Last evaluated: 2020-10-27. Review status: criteria provided, single submitter. Criteria: Invitae Variant Classification Sherloc (09022015). Collection method: clinical testing. Allele origin: germline.
Comment: This sequence change replaces glycine with arginine at codon 1090 of the NF1 protein (p.Gly1090Arg). The glycine residue is moderately conserved and there is a moderate physicochemical difference between glycine and arginine. This variant is not present in population databases (ExAC no frequency). This variant has not been reported in the literature in individuals with NF1-related conditions. Advanced modeling of protein sequence and biophysical properties (such as structural, functional, and spatial information, amino acid conservation, physicochemical variation, residue mobility, and thermodynamic stability) performed at Invitae indicates that this missense variant is expected to disrupt NF1 protein function. In summary, the available evidence is currently insufficient to determine the role of this variant in disease. Therefore, it has been classified as a Variant of Uncertain Significance.